The following is an entry in ClinVar:

NM_001384732.1(CPLANE1):c.7429C>A (p.Gln2477Lys)

Gene: CPLANE1 (ciliogenesis and planar polarity effector complex subunit 1; minus strand). Cytogenetic location: 5p13.2.
Variant type: single nucleotide variant.
Coding change: c.7429C>A on transcript NM_001384732.1 (MANE Select); coding-DNA position 7429, C replaced by A.
Protein change: p.Gln2477Lys; replaces glutamine 2477 with lysine.
Molecular consequence: missense variant.
Genome position (GRCh38, 1-based): chr5:37,165,643, G>T on the plus strand (C>A on the coding strand, the complement: CPLANE1 is on the minus strand). VCF-style: chr5-37165643-G-T. GRCh37 (hg19) VCF-style: chr5-37165745-G-T.
Other names: c.7429C>A, p.Gln2477Lys (NM_023073.4); short protein forms Q2477K.
Identifiers: ClinVar variation 2112656 (VCV002112656.4), dbSNP rs1778045279, ClinGen allele CA359476537.

ClinVar aggregate classification (germline): Uncertain significance (1 of 4 stars; one submission).

Allele frequency attached by ClinVar (database versions not stated): TOPMed below 0.00001.

Submission:

Labcorp Genetics (formerly Invitae), Labcorp
Classification: Uncertain significance. Last evaluated: 2022-06-10. Review status: criteria provided, single submitter. Criteria: Invitae Variant Classification Sherloc (09022015). Collection method: clinical testing. Allele origin: germline.
Comment: In summary, the available evidence is currently insufficient to determine the role of this variant in disease. Therefore, it has been classified as a Variant of Uncertain Significance. Advanced modeling of protein sequence and biophysical properties (such as structural, functional, and spatial information, amino acid conservation, physicochemical variation, residue mobility, and thermodynamic stability) performed at Invitae indicates that this missense variant is not expected to disrupt CPLANE1 protein function. This variant has not been reported in the literature in individuals affected with CPLANE1-related conditions. This variant is not present in population databases (gnomAD no frequency). This sequence change replaces glutamine, which is neutral and polar, with lysine, which is basic and polar, at codon 2477 of the CPLANE1 protein (p.Gln2477Lys).